The following is an entry in ClinVar:

NM_000548.5(TSC2):c.5314T>G (p.Ser1772Ala)

Gene: TSC2 (TSC complex subunit 2; plus strand). Cytogenetic location: 16p13.3.
Variant type: single nucleotide variant.
Coding change: c.5314T>G on transcript NM_000548.5 (MANE Select); coding-DNA position 5314, T replaced by G.
Protein change: p.Ser1772Ala; replaces serine 1772 with alanine.
Molecular consequence: missense variant.
Genome position (GRCh38, 1-based): chr16:2,088,500, T>G. VCF-style: chr16-2088500-T-G. GRCh37 (hg19) VCF-style: chr16-2138501-T-G.
Other names: c.5113T>G, p.Ser1705Ala (NM_001077183.3); c.5245T>G, p.Ser1749Ala (NM_001114382.3); c.5005T>G, p.Ser1669Ala (NM_001318827.2); c.4969T>G, p.Ser1657Ala (NM_001318829.2); c.4582T>G, p.Ser1528Ala (NM_001318831.2); c.5146T>G, p.Ser1716Ala (NM_001318832.2); c.5116T>G, p.Ser1706Ala (NM_001363528.2); c.5182T>G, p.Ser1728Ala (NM_001370404.1); and 2 more; short protein forms S1772A, S1528A, S1729A, S1725A, S1669A, S1716A, S1657A, S1705A.
Identifiers: ClinVar variation 406120 (VCV000406120.9), dbSNP rs1060500973, ClinGen allele CA16615050.

ClinVar aggregate classification (germline): Uncertain significance (1 of 4 stars; one submission).

Conditions:
Tuberous sclerosis 2 (TSC2). Identifiers: Orphanet 805, MedGen C1860707, MONDO:0013199, OMIM 613254.

Submission:

Labcorp Genetics (formerly Invitae), Labcorp
Classification: Uncertain significance for Tuberous sclerosis 2. Last evaluated: 2016-12-01. Review status: criteria provided, single submitter. Criteria: Invitae Variant Classification Sherloc (09022015). Collection method: clinical testing. Allele origin: germline.
Comment: In summary, this variant is a novel missense change that is not predicted to affect protein function. There is no indication that it causes disease, but the available evidence is currently insufficient to prove that conclusively. Therefore, it has been classified as a Variant of Uncertain Significance. Algorithms developed to predict the effect of missense changes on protein structure and function output the following: (SIFT: "Tolerated"; PolyPhen-2: "Benign"; Align-GVGD: "Class C0"). The alanine amino acid residue is found in multiple mammalian species, suggesting that this missense change does not adversely affect protein function. These predictions have not been confirmed by published functional studies. This variant is not present in population databases (ExAC no frequency) and has not been reported in the literature in individuals with a TSC2-related disease. This sequence change replaces serine with alanine at codon 1772 of the TSC2 protein (p.Ser1772Ala). The serine residue is weakly conserved and there is a moderate physicochemical difference between serine and alanine.